The following is an entry in ClinVar:

NM_004991.4(MECOM):c.985A>G (p.Thr329Ala)

Gene: MECOM (MDS1 and EVI1 complex locus; minus strand). Cytogenetic location: 3q26.2.
Variant type: single nucleotide variant.
Coding change: c.985A>G on transcript NM_004991.4 (MANE Select); coding-DNA position 985, A replaced by G.
Protein change: p.Thr329Ala; replaces threonine 329 with alanine.
Molecular consequence: missense variant.
Genome position (GRCh38, 1-based): chr3:169,121,203, T>C on the plus strand (A>G on the coding strand, the complement: MECOM is on the minus strand). VCF-style: chr3-169121203-T-C. GRCh37 (hg19) VCF-style: chr3-168838991-T-C.
Other names: c.985A>G (NM_004991.3); c.424A>G, p.Thr142Ala (NM_001366470.2, NM_001163999.2, NM_001366467.2 and 1 more transcripts); c.421A>G, p.Thr141Ala (NM_001366471.2, NM_001366472.2, NM_001366474.2 and 5 more transcripts); c.985A>G, p.Thr329Ala (NM_001366473.2, NM_001366466.2); c.616A>G, p.Thr206Ala (NM_001105077.4); short protein forms T142A, T206A, T141A, T329A.
Identifiers: ClinVar variation 2783319 (VCV002783319.4), dbSNP rs1425531461, ClinGen allele CA355066323.

ClinVar aggregate classification (germline): Uncertain significance. Review status: criteria provided, multiple submitters, no conflicts (2 of 4 stars). 2 submissions from 2 submitters: Uncertain significance (2). Last evaluated 2025-01-19.

Conditions:
Inborn genetic diseases. Identifiers: MedGen C0950123, MeSH D030342.

Allele frequency attached by ClinVar (database versions not stated): gnomAD exomes below 0.00001.
gnomAD v4.1: 2 of 1,609,930 alleles (0.00012%); highest among the groups gnomAD compares: Admixed American, 0.0034%; no homozygotes.

Submissions (2):

Ambry Genetics
Classification: Uncertain significance for Inborn genetic diseases. Last evaluated: 2025-01-19. Review status: criteria provided, single submitter. Criteria: Ambry Variant Classification Scheme 2023. Collection method: clinical testing. Allele origin: germline.
Comment: The p.T329A variant (also known as c.985A>G), located in coding exon 7 of the MECOM gene, results from an A to G substitution at nucleotide position 985. The threonine at codon 329 is replaced by alanine, an amino acid with similar properties. This amino acid position is conserved. In addition, the in silico prediction for this alteration is inconclusive. Based on the available evidence, the clinical significance of this variant remains unclear.

Labcorp Genetics (formerly Invitae), Labcorp
Classification: Uncertain significance. Last evaluated: 2023-09-30. Review status: criteria provided, single submitter. Criteria: Invitae Variant Classification Sherloc (09022015). Collection method: clinical testing. Allele origin: germline.
Comment: In summary, the available evidence is currently insufficient to determine the role of this variant in disease. Therefore, it has been classified as a Variant of Uncertain Significance. An algorithm developed to predict the effect of missense changes on protein structure and function (PolyPhen-2) suggests that this variant is likely to be disruptive. This variant has not been reported in the literature in individuals affected with MECOM-related conditions. This variant is present in population databases (no rsID available, gnomAD 0.006%). This sequence change replaces threonine, which is neutral and polar, with alanine, which is neutral and non-polar, at codon 141 of the MECOM protein (p.Thr141Ala).